The following is an entry in ClinVar:

NM_004174.4(SLC9A3):c.1515C>A (p.Asp505Glu)

Gene: SLC9A3 (solute carrier family 9 member A3). Cytogenetic location: 5p15.33.
Variant type: single nucleotide variant.
Coding change: c.1515C>A on transcript NM_004174.4 (MANE Select); coding-DNA position 1515, C replaced by A.
Protein change: p.Asp505Glu; replaces aspartic acid 505 with glutamic acid.
Molecular consequence: missense variant.
Genome position (GRCh38, 1-based): chr5:481,567, G>T on the plus strand (C>A on the coding strand, the complement: SLC9A3 is on the minus strand). VCF-style: chr5-481567-G-T. GRCh37 (hg19) VCF-style: chr5-481682-G-T.
Other names: c.1488C>A, p.Asp496Glu (NM_001284351.3); short protein forms D505E, D496E.
Identifiers: ClinVar variation 2109997 (VCV002109997.4), dbSNP rs937679115, ClinGen allele CA359026621.

ClinVar aggregate classification (germline): Uncertain significance (1 of 4 stars; one submission).

Submission:

Labcorp Genetics (formerly Invitae), Labcorp
Classification: Uncertain significance. Last evaluated: 2022-03-19. Review status: criteria provided, single submitter. Criteria: Invitae Variant Classification Sherloc (09022015). Collection method: clinical testing. Allele origin: germline.
Comment: In summary, the available evidence is currently insufficient to determine the role of this variant in disease. Therefore, it has been classified as a Variant of Uncertain Significance. Algorithms developed to predict the effect of missense changes on protein structure and function are either unavailable or do not agree on the potential impact of this missense change (SIFT: "Not Available"; PolyPhen-2: "Possibly Damaging"; Align-GVGD: "Not Available"). This variant has not been reported in the literature in individuals affected with SLC9A3-related conditions. This variant is not present in population databases (gnomAD no frequency). This sequence change replaces aspartic acid, which is acidic and polar, with glutamic acid, which is acidic and polar, at codon 505 of the SLC9A3 protein (p.Asp505Glu).